The following is an entry in ClinVar:

NM_001481.3(DRC4):c.3+6C>T

Gene: DRC4 (dynein regulatory complex subunit 4; plus strand). Cytogenetic location: 16q24.3.
Variant type: single nucleotide variant.
Coding change: c.3+6C>T on transcript NM_001481.3 (MANE Select); 6 bases into the intron after coding-DNA position 3, C replaced by T.
Molecular consequence: intron variant.
Genome position (GRCh38, 1-based): chr16:90,022,730, C>T. VCF-style: chr16-90022730-C-T. GRCh37 (hg19) VCF-style: chr16-90089138-C-T.
Other names: c.-73+2962C>T (NM_001286209.2); c.-370+6C>T (NM_001286205.2); c.-642+6C>T (NM_001286208.2).
Identifiers: ClinVar variation 542264 (VCV000542264.9), dbSNP rs552480254, ClinGen allele CA286640995.

ClinVar aggregate classification (germline): Uncertain significance (1 of 4 stars; one submission).

Conditions:
Primary ciliary dyskinesia 33. Also called: CILIARY DYSKINESIA, PRIMARY, 33, WITHOUT SITUS INVERSUS. Identifiers: Orphanet 244, MedGen C4225230, MONDO:0014750, OMIM 616726.

Allele frequency attached by ClinVar (database versions not stated): gnomAD 0.00012 and 0.00016; 1000 Genomes Project 0.00020; TOPMed 0.00022; 1000 Genomes Project 30x 0.00031.
gnomAD v4.1: 163 of 1,415,690 alleles (0.012%); highest among the groups gnomAD compares: Middle Eastern, 0.077%; 1 homozygote.

Submission:

Labcorp Genetics (formerly Invitae), Labcorp
Classification: Uncertain significance for Primary ciliary dyskinesia 33. Last evaluated: 2024-10-24. Review status: criteria provided, single submitter. Criteria: Invitae Variant Classification Sherloc (09022015). Collection method: clinical testing. Allele origin: germline.
Comment: This sequence change falls in intron 1 of the GAS8 gene. It does not directly change the encoded amino acid sequence of the GAS8 protein. It affects a nucleotide within the consensus splice site. The frequency data for this variant in the population databases is considered unreliable, as metrics indicate poor data quality at this position in the gnomAD database. This variant has not been reported in the literature in individuals affected with GAS8-related conditions. ClinVar contains an entry for this variant (Variation ID: 542264). Variants that disrupt the consensus splice site are a relatively common cause of aberrant splicing (PMID: 17576681, 9536098). Algorithms developed to predict the effect of sequence changes on RNA splicing suggest that this variant is not likely to affect RNA splicing. In summary, the available evidence is currently insufficient to determine the role of this variant in disease. Therefore, it has been classified as a Variant of Uncertain Significance.

Literature cited by the submitters: PubMed 17576681; PubMed 9536098.